The following is an entry in ClinVar:

NM_001080512.3(BICC1):c.1156C>G (p.Pro386Ala)

Gene: BICC1 (BicC family RNA binding protein 1; plus strand). Cytogenetic location: 10q21.1.
Variant type: single nucleotide variant.
Coding change: c.1156C>G on transcript NM_001080512.3 (MANE Select); coding-DNA position 1156, C replaced by G.
Protein change: p.Pro386Ala; replaces proline 386 with alanine.
Molecular consequence: missense variant.
Genome position (GRCh38, 1-based): chr10:58,793,592, C>G. VCF-style: chr10-58793592-C-G. GRCh37 (hg19) VCF-style: chr10-60553352-C-G.
Other names: c.1156C>G (NM_001080512.1); short protein forms P386A.
Identifiers: ClinVar variation 3596001 (VCV003596001.4).

ClinVar aggregate classification (germline): Uncertain significance. Review status: criteria provided, multiple submitters, no conflicts (2 of 4 stars). 3 submissions from 3 submitters: Uncertain significance (3). Last evaluated 2025-08-25.

Conditions:
Renal dysplasia, cystic, susceptibility to. Identifiers: MedGen C3275898, MONDO:0011037, OMIM 601331.

gnomAD v4.1: 6 of 1,613,626 alleles (0.00037%); no homozygotes.

Submissions (3):

Ambry Genetics
Classification: Uncertain significance. Last evaluated: 2025-08-25. Review status: criteria provided, single submitter. Criteria: Ambry Variant Classification Scheme 2023. Collection method: clinical testing. Allele origin: germline.

Fulgent Genetics
Classification: Uncertain significance for Renal dysplasia, cystic, susceptibility to. Last evaluated: 2024-06-20. Review status: criteria provided, single submitter. Criteria: ACMG Guidelines, 2015. Collection method: clinical testing. Allele origin: germline.

Labcorp Genetics (formerly Invitae), Labcorp
Classification: Uncertain significance. Last evaluated: 2024-05-02. Review status: criteria provided, single submitter. Criteria: Invitae Variant Classification Sherloc (09022015). Collection method: clinical testing. Allele origin: germline.
Comment: This sequence change replaces proline, which is neutral and non-polar, with alanine, which is neutral and non-polar, at codon 386 of the BICC1 protein (p.Pro386Ala). This variant is present in population databases (rs749334225, gnomAD no frequency). This variant has not been reported in the literature in individuals affected with BICC1-related conditions. An algorithm developed to predict the effect of missense changes on protein structure and function (PolyPhen-2) suggests that this variant is likely to be disruptive. In summary, the available evidence is currently insufficient to determine the role of this variant in disease. Therefore, it has been classified as a Variant of Uncertain Significance.